The following is an entry in ClinVar:

ClinVar aggregate classification (germline): Pathogenic (1 of 4 stars; one submission).

Conditions:
Hereditary hemorrhagic telangiectasia (HHT). Also called: ORW DISEASE; Osler Weber Rendu syndrome; OSLER-RENDU-WEBER DISEASE; Osler hemorrhagic telangiectasia syndrome. Identifiers: Orphanet 774, MedGen C0039445, MONDO:0019180. Disease mechanism: loss of function.

Submission:

Labcorp Genetics (formerly Invitae), Labcorp
Classification: Pathogenic for Hereditary hemorrhagic telangiectasia. Last evaluated: 2018-03-17. Review status: criteria provided, single submitter. Criteria: Invitae Variant Classification Sherloc (09022015). Collection method: clinical testing. Allele origin: germline.
Comment: Loss-of-function variants in ENG are known to be pathogenic (PMID: 15879500, 20656886, 22385575). For these reasons, this variant has been classified as Pathogenic. This variant has not been reported in the literature in individuals with ENG-related disease. Other variants that affect the initiator methionine (c.1A>T, c.3G>T, c.1A>G, c.2T>C) have been reported in several individuals with hereditary hemorrhagic telangiectasia (PMID: 20414677, 15517393, 9554745). This variant is not present in population databases (ExAC no frequency). This sequence change affects the initiator methionine of the ENG mRNA. The next in-frame methionine is located at codon 183.

Literature cited by the submitters: PubMed 15879500; PubMed 20656886; PubMed 22385575; PubMed 20414677; PubMed 15517393; PubMed 9554745.

NM_001114753.3(ENG):c.1A>C (p.Met1Leu)

Gene: ENG (endoglin; minus strand). Cytogenetic location: 9q34.11.
Variant type: single nucleotide variant.
Coding change: c.1A>C on transcript NM_001114753.3 (MANE Select); coding-DNA position 1, A replaced by C.
Protein change: p.Met1Leu; changes the start codon (methionine 1).
Molecular consequence: missense variant, initiator codon variant.
Genome position (GRCh38, 1-based): chr9:127,854,355, T>G on the plus strand (A>C on the coding strand, the complement: ENG is on the minus strand). VCF-style: chr9-127854355-T-G. GRCh37 (hg19) VCF-style: chr9-130616634-T-G.
Other names: c.1A>C, p.Met1Leu (NM_000118.4, NM_001406715.1); short protein forms M1L.
Identifiers: ClinVar variation 578951 (VCV000578951.9), dbSNP rs1060501418, ClinGen allele CA374989714.
Genomic context (GRCh38, chr9:127,854,355, plus strand): 5'-GGCTGAGGCTGCAGCTGGCCAGCAGCAGGGCAACAGCCAGAGGGAGCGTGCCGCGGTCCA[T>G]GCTGTCCACGTGGGGGCCTGTGCGCTGGGCCTTATCCTGTGTCCAGTGGCAGGGCTGCGG-3'
Protein context (NP_001108225.1, residues 1-11): [Met1Leu]DRGTLPLAVA